The following is an entry in ClinVar:

ClinVar aggregate classification (germline): Uncertain significance (1 of 4 stars; one submission).

gnomAD v4.1: 1 of 1,613,816 alleles (0.000062%); no homozygotes.

Submission:

Labcorp Genetics (formerly Invitae), Labcorp
Classification: Uncertain significance. Last evaluated: 2024-08-29. Review status: criteria provided, single submitter. Criteria: Invitae Variant Classification Sherloc (09022015). Collection method: clinical testing. Allele origin: germline.
Comment: This sequence change replaces threonine, which is neutral and polar, with alanine, which is neutral and non-polar, at codon 501 of the ROR2 protein (p.Thr501Ala). This variant is not present in population databases (gnomAD no frequency). This variant has not been reported in the literature in individuals affected with ROR2-related conditions. Invitae Evidence Modeling of protein sequence and biophysical properties (such as structural, functional, and spatial information, amino acid conservation, physicochemical variation, residue mobility, and thermodynamic stability) indicates that this missense variant is not expected to disrupt ROR2 protein function with a negative predictive value of 80%. In summary, the available evidence is currently insufficient to determine the role of this variant in disease. Therefore, it has been classified as a Variant of Uncertain Significance.

NM_004560.4(ROR2):c.1501A>G (p.Thr501Ala)

Gene: ROR2 (receptor tyrosine kinase like orphan receptor 2; minus strand). Cytogenetic location: 9q22.31.
Variant type: single nucleotide variant.
Coding change: c.1501A>G on transcript NM_004560.4 (MANE Select); coding-DNA position 1501, A replaced by G.
Protein change: p.Thr501Ala; replaces threonine 501 with alanine.
Molecular consequence: missense variant.
Genome position (GRCh38, 1-based): chr9:91,724,993, T>C on the plus strand (A>G on the coding strand, the complement: ROR2 is on the minus strand). VCF-style: chr9-91724993-T-C. GRCh37 (hg19) VCF-style: chr9-94487275-T-C.
Other names: short protein forms T501A.
Identifiers: ClinVar variation 3663969 (VCV003663969.2).
Genomic context (GRCh38, chr9:91,724,993, plus strand): 5'-ACTCCTCCCGCAGGGGCCCCTCCGCTTTGTCCTTCAGCGTTTTGATGGCCACAGCCTGGG[T>C]CTGCTCCCCCGGGGCAGGGCCGAACAGGTGACCTTTGTAGACTTTCCCAAACCGGTCCTC-3'
Protein context (NP_004551.2, residues 491-511): HLFGPAPGEQ[Thr501Ala]QAVAIKTLKD